The following is an entry in ClinVar:

NC_000001.10:g.(?_46663448)_(46664153_?)del

Gene: POMGNT1 (protein O-linked mannose N-acetylglucosaminyltransferase 1 (beta 1,2-); minus strand). Cytogenetic location: 1p34.1.
Variant type: Deletion.
Identifiers: ClinVar variation 1459036 (VCV001459036.8).

ClinVar aggregate classification (germline): Pathogenic (1 of 4 stars; one submission).

Conditions:
Autosomal recessive limb-girdle muscular dystrophy type 2O. Also called: Limb-Girdle Muscular Dystrophy Type 3C; MUSCULAR DYSTROPHY-DYSTROGLYCANOPATHY (LIMB-GIRDLE), TYPE C, 3; MUSCULAR DYSTROPHY-DYSTROGLYCANOPATHY, LIMB-GIRDLE, POMGNT1-RELATED. Identifiers: Orphanet 206564, MedGen C3150417, MONDO:0013161, OMIM 613157.
Muscular dystrophy-dystroglycanopathy (congenital with impaired intellectual development), type B, 3. Also called: Muscular dystrophy-dystroglycanopathy (congenital with intellectual disability), type B3; MUSCULAR DYSTROPHY, CONGENITAL, POMGNT1-RELATED. Identifiers: MedGen C3150412, MONDO:0013155, OMIM 613151.

Submission:

Labcorp Genetics (formerly Invitae), Labcorp
Classification: Pathogenic for Autosomal recessive limb-girdle muscular dystrophy type 2O; Muscular dystrophy-dystroglycanopathy (congenital with impaired intellectual development), type B, 3. Last evaluated: 2020-11-28. Review status: criteria provided, single submitter. Criteria: Invitae Variant Classification Sherloc (09022015). Collection method: clinical testing. Allele origin: germline.
Comment: For these reasons, this variant has been classified as Pathogenic. This variant has not been reported in the literature in individuals with POMGNT1-related conditions. This variant results in the deletion of exon(s) 1 and part of exon 2 (c.-196_46delinsTGG) of the POMGNT1 gene. It is expected to result in an absent or disrupted protein product. Loss-of-function variants in POMGNT1 are known to be pathogenic (PMID: 19299310, 20816175, 21447391, 26908613, 27391550).

Literature cited by the submitters: PubMed 19299310; PubMed 20816175; PubMed 21447391; PubMed 26908613; PubMed 27391550.